The following is an entry in ClinVar:

NM_001040142.2(SCN2A):c.2102G>A (p.Arg701Lys)

Gene: SCN2A (sodium voltage-gated channel alpha subunit 2; plus strand). Cytogenetic location: 2q24.3.
Variant type: single nucleotide variant.
Coding change: c.2102G>A on transcript NM_001040142.2 (MANE Select); coding-DNA position 2102, G replaced by A.
Protein change: p.Arg701Lys; replaces arginine 701 with lysine.
Molecular consequence: missense variant.
Genome position (GRCh38, 1-based): chr2:165,326,937, G>A. VCF-style: chr2-165326937-G-A. GRCh37 (hg19) VCF-style: chr2-166183447-G-A.
Other names: c.2102G>A, p.Arg701Lys (NM_001040143.2, NM_001371246.1, NM_001371247.1 and 1 more transcripts); short protein forms R701K.
Identifiers: ClinVar variation 2114752 (VCV002114752.4), dbSNP rs776452983, ClinGen allele CA1939930.

ClinVar aggregate classification (germline): Uncertain significance (1 of 4 stars; one submission).

Conditions:
Seizures, benign familial infantile, 3 (BFIS3). Also called: CONVULSIONS, BENIGN FAMILIAL INFANTILE, 3; Familial neonatal seizures. Identifiers: Orphanet 140927, Orphanet 306, MedGen C1843140, MONDO:0011904, OMIM 607745.
Developmental and epileptic encephalopathy, 11 (DEE11). Also called: Early infantile epileptic encephalopathy 11. Identifiers: Orphanet 1934, MedGen C3150987, MONDO:0013388, OMIM 613721.

Allele frequency attached by ClinVar (database versions not stated): gnomAD exomes below 0.00001; ExAC 0.00001.

Submission:

Labcorp Genetics (formerly Invitae), Labcorp
Classification: Uncertain significance for Seizures, benign familial infantile, 3; Developmental and epileptic encephalopathy, 11. Last evaluated: 2022-04-12. Review status: criteria provided, single submitter. Criteria: Invitae Variant Classification Sherloc (09022015). Collection method: clinical testing. Allele origin: germline.
Comment: In summary, the available evidence is currently insufficient to determine the role of this variant in disease. Therefore, it has been classified as a Variant of Uncertain Significance. Algorithms developed to predict the effect of missense changes on protein structure and function output the following: SIFT: "Deleterious"; PolyPhen-2: "Benign"; Align-GVGD: "Class C0". The lysine amino acid residue is found in multiple mammalian species, which suggests that this missense change does not adversely affect protein function. This variant has not been reported in the literature in individuals affected with SCN2A-related conditions. This variant is present in population databases (rs776452983, gnomAD 0.004%). This sequence change replaces arginine, which is basic and polar, with lysine, which is basic and polar, at codon 701 of the SCN2A protein (p.Arg701Lys).